The following is an entry in ClinVar:

ClinVar aggregate classification (germline): Pathogenic (1 of 4 stars; one submission).

Submission:

Labcorp Genetics (formerly Invitae), Labcorp
Classification: Pathogenic. Last evaluated: 2023-05-26. Review status: criteria provided, single submitter. Criteria: Invitae Variant Classification Sherloc (09022015). Collection method: clinical testing. Allele origin: germline.
Comment: For these reasons, this variant has been classified as Pathogenic. This variant has not been reported in the literature in individuals affected with COL7A1-related conditions. This variant is not present in population databases (gnomAD no frequency). This sequence change creates a premature translational stop signal (p.Cys2904*) in the COL7A1 gene. It is expected to result in an absent or disrupted protein product. Loss-of-function variants in COL7A1 are known to be pathogenic (PMID: 16971478).

Literature cited by the submitters: PubMed 16971478.

NM_000094.4(COL7A1):c.8712T>A (p.Cys2904Ter)

Gene: COL7A1 (collagen type VII alpha 1 chain; minus strand). Cytogenetic location: 3p21.31.
Variant type: single nucleotide variant.
Coding change: c.8712T>A on transcript NM_000094.4 (MANE Select); coding-DNA position 8712, T replaced by A.
Protein change: p.Cys2904Ter; replaces cysteine 2904 with a stop codon.
Molecular consequence: nonsense.
Genome position (GRCh38, 1-based): chr3:48,564,889, A>T on the plus strand (T>A on the coding strand, the complement: COL7A1 is on the minus strand). VCF-style: chr3-48564889-A-T. GRCh37 (hg19) VCF-style: chr3-48602322-A-T.
Other names: short protein forms C2904*.
Identifiers: ClinVar variation 2733224 (VCV002733224.3), dbSNP rs2530796203, ClinGen allele CA352633146.